The following is an entry in ClinVar:

ClinVar aggregate classification (germline): Uncertain significance (1 of 4 stars; one submission).

Conditions:
Optic atrophy 3 (OPA3). Also called: OPTIC ATROPHY 3, AUTOSOMAL DOMINANT; Optic atrophy, cataract, and neurologic disorder; Optic atrophy 3 with cataract. Identifiers: Orphanet 67036, MedGen C1833809, MONDO:0008133, OMIM 165300.
3-Methylglutaconic aciduria type 3 (MGCA3). Also called: OPA3, AUTOSOMAL RECESSIVE; OPTIC ATROPHY 3, AUTOSOMAL RECESSIVE; OPA3-Related 3-Methylglutaconic Aciduria; Costeff Syndrome. Identifiers: Orphanet 67047, MedGen C0574084, MONDO:0009787, OMIM 258501.

gnomAD v4.1: 3 of 1,612,904 alleles (0.00019%); highest among the groups gnomAD compares: Non-Finnish European, 0.00017%; no homozygotes.

Submission:

Labcorp Genetics (formerly Invitae), Labcorp
Classification: Uncertain significance for 3-Methylglutaconic aciduria type 3; Optic atrophy 3. Last evaluated: 2025-03-17. Review status: criteria provided, single submitter. Criteria: Invitae Variant Classification Sherloc (09022015). Collection method: clinical testing. Allele origin: germline.
Comment: This sequence change replaces glycine, which is neutral and non-polar, with serine, which is neutral and polar, at codon 94 of the OPA3 protein (p.Gly94Ser). This variant is not present in population databases (gnomAD no frequency). This variant has not been reported in the literature in individuals affected with OPA3-related conditions. An algorithm developed to predict the effect of missense changes on protein structure and function (PolyPhen-2) suggests that this variant is likely to be tolerated. In summary, the available evidence is currently insufficient to determine the role of this variant in disease. Therefore, it has been classified as a Variant of Uncertain Significance.

NM_025136.4(OPA3):c.280G>A (p.Gly94Ser)

Genes: OPA3 (outer mitochondrial membrane lipid metabolism regulator OPA3; minus strand), OPA3-RTN2 (OPA3-RTN2 readthrough; minus strand). Cytogenetic location: 19q13.32.
Variant type: single nucleotide variant.
Coding change: c.280G>A on transcript NM_025136.4 (MANE Select); coding-DNA position 280, G replaced by A.
Protein change: p.Gly94Ser; replaces glycine 94 with serine.
Molecular consequence: missense variant. On other transcripts: intron variant (1).
Genome position (GRCh38, 1-based): chr19:45,553,774, C>T on the plus strand (G>A on the coding strand, the complement: OPA3 is on the minus strand). VCF-style: chr19-45553774-C-T. GRCh37 (hg19) VCF-style: chr19-46057032-C-T.
Other names: c.143-24318G>A (NM_001017989.3); short protein forms G94S.
Identifiers: ClinVar variation 3762129 (VCV003762129.2).